The following is an entry in ClinVar:

ClinVar aggregate classification (germline): Likely pathogenic (1 of 4 stars; one submission).

Conditions:
Hereditary spastic paraplegia 30. Identifiers: Orphanet 101010, MedGen C5235139, MONDO:0012476.
Neuropathy, hereditary sensory, type 2C. Also called: Hereditary sensory and autonomic neuropathy type IIC; KIF1A-Related HSAN2 (HSAN2C). Identifiers: Orphanet 970, MedGen C3280168, MONDO:0013634, OMIM 614213.
Intellectual disability, autosomal dominant 9 (NESCAVS). Also called: NESCAV SYNDROME; KIF1A-Related Neurodevelopmental Disorder. Identifiers: Orphanet 662367, MedGen C5393830, MONDO:0013656, OMIM 614255.

Allele frequency attached by ClinVar (database versions not stated): gnomAD exomes below 0.00001.
gnomAD v4.1: 3 of 1,613,558 alleles (0.00019%); highest among the groups gnomAD compares: Non-Finnish European, 0.00025%; no homozygotes.

Submission:

Labcorp Genetics (formerly Invitae), Labcorp
Classification: Likely pathogenic for Hereditary spastic paraplegia 30; Neuropathy, hereditary sensory, type 2C; Intellectual disability, autosomal dominant 9. Last evaluated: 2025-06-23. Review status: criteria provided, single submitter. Criteria: Invitae Variant Classification Sherloc (09022015). Collection method: clinical testing. Allele origin: germline.
Comment: This sequence change replaces tyrosine, which is neutral and polar, with phenylalanine, which is neutral and non-polar, at codon 89 of the KIF1A protein (p.Tyr89Phe). This variant is not present in population databases (gnomAD no frequency). This variant has not been reported in the literature in individuals affected with KIF1A-related conditions. ClinVar contains an entry for this variant (Variation ID: 1987306). Invitae Evidence Modeling of protein sequence and biophysical properties (such as structural, functional, and spatial information, amino acid conservation, physicochemical variation, residue mobility, and thermodynamic stability) indicates that this missense variant is expected to disrupt KIF1A protein function with a positive predictive value of 95%. This variant disrupts the p.Tyr89 amino acid residue in KIF1A. Other variant(s) that disrupt this residue have been determined to be pathogenic (PMID: 28554332). This suggests that this residue is clinically significant, and that variants that disrupt this residue are likely to be disease-causing. In summary, the currently available evidence indicates that the variant is pathogenic, but additional data are needed to prove that conclusively. Therefore, this variant has been classified as Likely Pathogenic.

Literature cited by the submitters: PubMed 28554332.

NM_001244008.2(KIF1A):c.266A>T (p.Tyr89Phe)

Gene: KIF1A (kinesin family member 1A; minus strand). Cytogenetic location: 2q37.3.
Variant type: single nucleotide variant.
Coding change: c.266A>T on transcript NM_001244008.2 (MANE Select); coding-DNA position 266, A replaced by T.
Protein change: p.Tyr89Phe; replaces tyrosine 89 with phenylalanine.
Molecular consequence: missense variant.
Genome position (GRCh38, 1-based): chr2:240,788,148, T>A on the plus strand (A>T on the coding strand, the complement: KIF1A is on the minus strand). VCF-style: chr2-240788148-T-A. GRCh37 (hg19) VCF-style: chr2-241727565-T-A.
Other names: c.266A>T, p.Tyr89Phe (NM_001320705.2, NM_001330289.2, NM_001330290.2 and 21 more transcripts); short protein forms Y89F.
Identifiers: ClinVar variation 1987306 (VCV001987306.4), dbSNP rs2538437589, ClinGen allele CA351310480.
Genomic context (GRCh38, chr2:240,788,148, plus strand): 5'-CCCATCATGGTGTAGGACTTGCCGGCACCCGTCTGCCCATAGGCGAAGATGCACACGTTG[T>A]ATCCCTCAAAGGCATGCTGCAGCATCTCCTCGCCGATGTCCCGGTACACCTGCTTCTGCG-3'
Protein context (NP_001230937.1, residues 79-99): EEMLQHAFEG[Tyr89Phe]NVCIFAYGQT